The following is an entry in ClinVar:

NM_001846.4(COL4A2):c.512C>G (p.Pro171Arg)

Gene: COL4A2 (collagen type IV alpha 2 chain; plus strand). Cytogenetic location: 13q34.
Variant type: single nucleotide variant.
Coding change: c.512C>G on transcript NM_001846.4 (MANE Select); coding-DNA position 512, C replaced by G.
Protein change: p.Pro171Arg; replaces proline 171 with arginine.
Molecular consequence: missense variant.
Genome position (GRCh38, 1-based): chr13:110,429,919, C>G. VCF-style: chr13-110429919-C-G. GRCh37 (hg19) VCF-style: chr13-111082266-C-G.
Other names: short protein forms P171R.
Identifiers: ClinVar variation 3355874 (VCV003355874.1).

ClinVar aggregate classification (germline): Uncertain significance (0 of 4 stars; one submission).

Conditions:
COL4A2-related disorder. Also called: COL4A2-related disorders; COL4A2-related condition.

gnomAD v4.1: 6 of 1,612,228 alleles (0.00037%); highest among the groups gnomAD compares: Non-Finnish European, 0.00051%; no homozygotes.

Submission:

PreventionGenetics, part of Exact Sciences
Classification: Uncertain significance for COL4A2-related condition. Last evaluated: 2024-06-03. Review status: no assertion criteria provided. Collection method: clinical testing. Allele origin: germline.
Comment: The COL4A2 c.512C>G variant is predicted to result in the amino acid substitution p.Pro171Arg. To our knowledge, this variant has not been reported in the literature or in a large population database, indicating this variant is rare. At this time, the clinical significance of this variant is uncertain due to the absence of conclusive functional and genetic evidence.